The following is an entry in ClinVar:

ClinVar aggregate classification (germline): Uncertain significance (1 of 4 stars; one submission).

Submission:

Ambry Genetics
Classification: Uncertain significance. Last evaluated: 2025-11-09. Review status: criteria provided, single submitter. Criteria: Ambry Variant Classification Scheme 2023. Collection method: clinical testing. Allele origin: germline.
Comment: The p.W81G variant (also known as c.241T>G), located in coding exon 1 of the PALLD gene, results from a T to G substitution at nucleotide position 241. The tryptophan at codon 81 is replaced by glycine, an amino acid with highly dissimilar properties. This amino acid position is conserved. In addition, this alteration is predicted to be tolerated by in silico analysis. Based on the available evidence, the clinical significance of this variant remains unclear.

NM_001166108.2(PALLD):c.1965-12790T>G

Gene: PALLD (palladin, cytoskeletal associated protein; plus strand). Cytogenetic location: 4q32.3.
Variant type: single nucleotide variant.
Coding change: c.1965-12790T>G on transcript NM_001166108.2 (MANE Select); 12790 bases into the intron before coding-DNA position 1965, T replaced by G.
Molecular consequence: intron variant. On other transcripts: missense variant (1).
Genome position (GRCh38, 1-based): chr4:168,878,132, T>G. VCF-style: chr4-168878132-T-G. GRCh37 (hg19) VCF-style: chr4-169799283-T-G.
Other names: c.241T>G, p.Trp81Gly (NM_001166110.2); c.1965-12790T>G (NM_016081.4); c.819-12790T>G (NM_001166109.2); c.-157-12790T>G (NM_001367570.1, NM_001367568.1, NM_001367567.1 and 1 more transcripts); short protein forms W81G.
Identifiers: ClinVar variation 4564174 (VCV004564174.1).